The following is an entry in ClinVar:

NM_000057.4(BLM):c.905C>T (p.Pro302Leu)

Gene: BLM (BLM RecQ like helicase; plus strand). Cytogenetic location: 15q26.1.
Variant type: single nucleotide variant.
Coding change: c.905C>T on transcript NM_000057.4 (MANE Select); coding-DNA position 905, C replaced by T.
Protein change: p.Pro302Leu; replaces proline 302 with leucine.
Molecular consequence: missense variant. On other transcripts: 5 prime UTR variant (1).
Genome position (GRCh38, 1-based): chr15:90,751,892, C>T. VCF-style: chr15-90751892-C-T. GRCh37 (hg19) VCF-style: chr15-91295122-C-T.
Other names: c.905C>T, p.Pro302Leu (NM_001287246.2, NM_001287247.2); c.-387C>T (NM_001287248.2); short protein forms P302L.
Identifiers: ClinVar variation 1011492 (VCV001011492.12), dbSNP rs1895696337, ClinGen allele CA393841854.

ClinVar aggregate classification (germline): Uncertain significance. Review status: criteria provided, multiple submitters, no conflicts (2 of 4 stars). 2 submissions from 2 submitters: Uncertain significance (2). Last evaluated 2025-05-22.

Conditions:
Hereditary cancer-predisposing syndrome. Also called: Hereditary Cancer Syndrome; Tumor predisposition; Neoplastic Syndromes, Hereditary; Hereditary neoplastic syndrome. Identifiers: Orphanet 140162, MedGen C0027672, MeSH D009386, MONDO:0015356.
Bloom syndrome (BLM). Also called: Bloom-Torre-Machacek syndrome. Identifiers: Orphanet 125, MedGen C0005859, MONDO:0008876, OMIM 210900.

Submissions (2):

Ambry Genetics
Classification: Uncertain significance for Hereditary cancer-predisposing syndrome. Last evaluated: 2025-05-22. Review status: criteria provided, single submitter. Criteria: Ambry Variant Classification Scheme 2023. Collection method: clinical testing. Allele origin: germline.
Comment: The p.P302L variant (also known as c.905C>T), located in coding exon 3 of the BLM gene, results from a C to T substitution at nucleotide position 905. The proline at codon 302 is replaced by leucine, an amino acid with similar properties. This amino acid position is conserved. In addition, the in silico prediction for this alteration is inconclusive. Since supporting evidence is limited at this time, the clinical significance of this alteration remains unclear.

Labcorp Genetics (formerly Invitae), Labcorp
Classification: Uncertain significance for Bloom syndrome. Last evaluated: 2020-06-03. Review status: criteria provided, single submitter. Criteria: Invitae Variant Classification Sherloc (09022015). Collection method: clinical testing. Allele origin: germline.
Comment: In summary, the available evidence is currently insufficient to determine the role of this variant in disease. Therefore, it has been classified as a Variant of Uncertain Significance. This sequence change replaces proline with leucine at codon 302 of the BLM protein (p.Pro302Leu). The proline residue is moderately conserved and there is a moderate physicochemical difference between proline and leucine. This variant is not present in population databases (ExAC no frequency). This variant has not been reported in the literature in individuals with BLM-related conditions. Algorithms developed to predict the effect of missense changes on protein structure and function are either unavailable or do not agree on the potential impact of this missense change (SIFT: "Tolerated"; PolyPhen-2: "Probably Damaging"; Align-GVGD: "Class C0").